The following is an entry in ClinVar:

NM_001128178.3(NPHP1):c.1362_1363dup (p.Leu455fs)

Gene: NPHP1 (nephrocystin 1; minus strand). Cytogenetic location: 2q13.
Variant type: Duplication.
Coding change: c.1362_1363dup on transcript NM_001128178.3 (MANE Select); coding-DNA positions 1362 to 1363, 2 bases duplicated (GC; older notation c.1362_1363dupGC).
Protein change: p.Leu455fs; shifts the reading frame from leucine 455.
Molecular consequence: frameshift variant.
Genome position (GRCh38, 1-based): chr2:110,144,559-110,144,560, GC duplicated on the plus strand (GC on the coding strand, the reverse complement: NPHP1 is on the minus strand). VCF-style (leftmost placement, unchanged base first): chr2-110144558-A-AGC. GRCh37 (hg19) VCF-style: chr2-110902135-A-AGC.
Other names: c.1530_1531dup, p.Leu511fs (NM_000272.5); c.1173_1174dup, p.Leu392fs (NM_001128179.3); c.1359_1360dup, p.Leu454fs (NM_001374256.1); c.1362_1363dup, p.Leu455fs (NM_001374257.1); c.1527_1528dup, p.Leu510fs (NM_207181.4); short protein forms L392fs, L454fs, L455fs, L510fs, L511fs.
Identifiers: ClinVar variation 4526732 (VCV004526732.1).

ClinVar aggregate classification (germline): Pathogenic (1 of 4 stars; one submission).

Submission:

Centre for Clinical Genetics and Genomic Diagnostics, Zealand University Hospital
Classification: Pathogenic. Last evaluated: 2025-07-29. Review status: criteria provided, single submitter. Criteria: ACMG Guidelines, 2015. Collection method: clinical testing. Allele origin: germline. Affected: yes.
Comment: Compound heterozygous